The following is an entry in ClinVar:

ClinVar aggregate classification (germline): Uncertain significance (1 of 4 stars; one submission).

Conditions:
Cardiovascular phenotype. Identifiers: MedGen CN230736.

gnomAD v4.1: 1 of 1,612,322 alleles (0.000062%); highest among the groups gnomAD compares: Non-Finnish European, 0.000085%; no homozygotes.

Submission:

Ambry Genetics
Classification: Uncertain significance for Cardiovascular phenotype. Last evaluated: 2025-03-13. Review status: criteria provided, single submitter. Criteria: Ambry Variant Classification Scheme 2023. Collection method: clinical testing. Allele origin: germline.
Comment: The p.K355T variant (also known as c.1064A>C), located in coding exon 10 of the PRDM5 gene, results from an A to C substitution at nucleotide position 1064. The lysine at codon 355 is replaced by threonine, an amino acid with similar properties. This amino acid position is conserved. In addition, the in silico prediction for this alteration is inconclusive. Based on the available evidence, the clinical significance of this variant remains unclear.

NM_018699.4(PRDM5):c.1064A>C (p.Lys355Thr)

Gene: PRDM5 (PR/SET domain 5; minus strand). Cytogenetic location: 4q27.
Variant type: single nucleotide variant.
Coding change: c.1064A>C on transcript NM_018699.4 (MANE Select); coding-DNA position 1064, A replaced by C.
Protein change: p.Lys355Thr; replaces lysine 355 with threonine.
Molecular consequence: missense variant.
Genome position (GRCh38, 1-based): chr4:120,798,391, T>G on the plus strand (A>C on the coding strand, the complement: PRDM5 is on the minus strand). VCF-style: chr4-120798391-T-G. GRCh37 (hg19) VCF-style: chr4-121719546-T-G.
Other names: c.971A>C, p.Lys324Thr (NM_001300823.2, NM_001300824.2, NM_001379106.1); c.1097A>C, p.Lys366Thr (NM_001379104.1); short protein forms K366T, K324T, K355T.
Identifiers: ClinVar variation 3783080 (VCV003783080.1).